The following is an entry in ClinVar:

NM_000059.4(BRCA2):c.3547G>T (p.Glu1183Ter)

Gene: BRCA2 (BRCA2 DNA repair associated; plus strand). Cytogenetic location: 13q13.1.
Variant type: single nucleotide variant.
Coding change: c.3547G>T on transcript NM_000059.4 (MANE Select); coding-DNA position 3547, G replaced by T.
Protein change: p.Glu1183Ter; replaces glutamic acid 1183 with a stop codon.
Molecular consequence: nonsense. On other transcripts: non-coding transcript variant (1), intron variant (2).
Genome position (GRCh38, 1-based): chr13:32,337,902, G>T. VCF-style: chr13-32337902-G-T. GRCh37 (hg19) VCF-style: chr13-32912039-G-T.
Other names: c.3547G>T, p.Glu1183Ter (NM_001406719.1, NM_001406720.1, NM_001432077.1); c.1909+4515G>T (NM_001406721.1); c.425-6656G>T (NM_001406722.1); short protein forms E1183*.
Identifiers: ClinVar variation 4731841 (VCV004731841.1).

ClinVar aggregate classification (germline): Pathogenic (1 of 4 stars; one submission).

Conditions:
Hereditary breast ovarian cancer syndrome. Also called: Hereditary breast and/or ovarian cancer syndrome; Hereditary breast and ovarian cancer syndrome; Breast and ovarian cancer; Hereditary breast and ovarian cancer syndrome (HBOC); BRCA1- and BRCA2-Associated Hereditary Breast and Ovarian Cancer; Hereditary breast and ovarian cancer. Identifiers: Orphanet 145, MedGen C0677776, MeSH D061325, MONDO:0003582. Disease mechanism: loss of function.

Submission:

Labcorp Genetics (formerly Invitae), Labcorp
Classification: Pathogenic for Hereditary breast ovarian cancer syndrome. Last evaluated: 2025-11-25. Review status: criteria provided, single submitter. Criteria: Invitae Variant Classification Sherloc (09022015). Collection method: clinical testing. Allele origin: germline.
Comment: This sequence change creates a premature translational stop signal (p.Glu1183*) in the BRCA2 gene. It is expected to result in an absent or disrupted protein product. Loss-of-function variants in BRCA2 are known to be pathogenic (PMID: 20104584). This variant is not present in population databases (gnomAD no frequency). This variant has not been reported in the literature in individuals affected with BRCA2-related conditions. For these reasons, this variant has been classified as Pathogenic.

Literature cited by the submitters: PubMed 20104584.